The following is an entry in ClinVar:

ClinVar aggregate classification (germline): Uncertain significance (1 of 4 stars; one submission).

gnomAD v4.1: 5 of 1,613,996 alleles (0.00031%); highest among the groups gnomAD compares: Admixed American, 0.0017%; no homozygotes.

Submission:

GeneDx
Classification: Uncertain significance. Last evaluated: 2026-03-03. Review status: criteria provided, single submitter. Criteria: GeneDx Variant Classification Process June 2021. Collection method: clinical testing. Allele origin: germline.
Comment: Not observed at significant frequency in large population cohorts (gnomAD); In silico analysis supports that this missense variant has a deleterious effect on protein structure/function; Has not been previously published as pathogenic or benign to our knowledge

NM_016333.4(SRRM2):c.131G>A (p.Arg44His)

Gene: SRRM2 (serine/arginine repetitive matrix 2; plus strand). Cytogenetic location: 16p13.3.
Variant type: single nucleotide variant.
Coding change: c.131G>A on transcript NM_016333.4 (MANE Select); coding-DNA position 131, G replaced by A.
Protein change: p.Arg44His; replaces arginine 44 with histidine.
Molecular consequence: missense variant.
Genome position (GRCh38, 1-based): chr16:2,756,495, G>A. VCF-style: chr16-2756495-G-A. GRCh37 (hg19) VCF-style: chr16-2806496-G-A.
Other names: short protein forms R44H.
Identifiers: ClinVar variation 5008487 (VCV005008487.1).
Genomic context (GRCh38, chr16:2,756,495, plus strand): 5'-CCCTGGTGCGGGGCCGCCGGGGTGAGCGGCCTGACTACAAGGGAGAGGAGGAACTGCGGC[G>A]CCTGGAGGCTGCCCTGGTGAAGCGGCCTAATCCTGACATCCTGGACCACGAGCGCAAGCG-3'
Protein context (NP_057417.3, residues 34-54): PDYKGEEELR[Arg44His]LEAALVKRPN